The following is an entry in ClinVar:

ClinVar aggregate classification (germline): Uncertain significance. Review status: criteria provided, multiple submitters, no conflicts (2 of 4 stars). 2 submissions from 2 submitters: Uncertain significance (2). Last evaluated 2025-09-10.

Conditions:
Inborn genetic diseases. Identifiers: MedGen C0950123, MeSH D030342.

Submissions (2):

Ambry Genetics
Classification: Uncertain significance for Inborn genetic diseases. Last evaluated: 2025-09-10. Review status: criteria provided, single submitter. Criteria: Ambry Variant Classification Scheme 2023. Collection method: clinical testing. Allele origin: germline.
Comment: The p.M165V variant (also known as c.493A>G), located in coding exon 1 of the FANCM gene, results from an A to G substitution at nucleotide position 493. The methionine at codon 165 is replaced by valine, an amino acid with highly similar properties. This amino acid position is conserved. In addition, the in silico prediction for this alteration is inconclusive. Based on the available evidence, the clinical significance of this variant remains unclear.

GeneDx
Classification: Uncertain significance. Last evaluated: 2024-08-08. Review status: criteria provided, single submitter. Criteria: GeneDx Variant Classification Process June 2021. Collection method: clinical testing. Allele origin: germline. Affected: yes.
Comment: Not observed at significant frequency in large population cohorts (gnomAD); In silico analysis supports that this missense variant has a deleterious effect on protein structure/function; Has not been previously published as pathogenic or benign to our knowledge

NM_020937.4(FANCM):c.493A>G (p.Met165Val)

Gene: FANCM (FA complementation group M; plus strand). Cytogenetic location: 14q21.2.
Variant type: single nucleotide variant.
Coding change: c.493A>G on transcript NM_020937.4 (MANE Select); coding-DNA position 493, A replaced by G.
Protein change: p.Met165Val; replaces methionine 165 with valine.
Molecular consequence: missense variant.
Genome position (GRCh38, 1-based): chr14:45,136,524, A>G. VCF-style: chr14-45136524-A-G. GRCh37 (hg19) VCF-style: chr14-45605727-A-G.
Other names: c.493A>G, p.Met165Val (NM_001308133.2, NM_001308134.2); short protein forms M165V.
Identifiers: ClinVar variation 3602880 (VCV003602880.2).
Genomic context (GRCh38, chr14:45,136,524, plus strand): 5'-CCCTTGGTGACACAGCAGATCGAGGCTTGCTACCAGGTGATGGGTATCCCGCAATCCCAC[A>G]TGGCCGAAATGACAGGTATCTTAGACTGGACTAATTTTGAAGTAAGAGCTGGGAATTCCT-3'
Protein context (NP_065988.1, residues 155-175): YQVMGIPQSH[Met165Val]AEMTGSTQAS